The following is an entry in ClinVar:

NM_000124.4(ERCC6):c.4060C>T (p.Gln1354Ter)

Gene: ERCC6 (ERCC excision repair 6, chromatin remodeling factor; minus strand). Cytogenetic location: 10q11.23.
Variant type: single nucleotide variant.
Coding change: c.4060C>T on transcript NM_000124.4 (MANE Select); coding-DNA position 4060, C replaced by T.
Protein change: p.Gln1354Ter; replaces glutamine 1354 with a stop codon.
Molecular consequence: nonsense.
Genome position (GRCh38, 1-based): chr10:49,460,375, G>A on the plus strand (C>T on the coding strand, the complement: ERCC6 is on the minus strand). VCF-style: chr10-49460375-G-A. GRCh37 (hg19) VCF-style: chr10-50668421-G-A.
Other names: c.4060C>T, p.Gln1354Ter (NM_001346440.2); short protein forms Q1354*.
Identifiers: ClinVar variation 1073494 (VCV001073494.9), dbSNP rs1223670390, ClinGen allele CA376708013.

ClinVar aggregate classification (germline): Pathogenic (1 of 4 stars; one submission).

Allele frequency attached by ClinVar (database versions not stated): gnomAD exomes below 0.00001.

Submission:

Labcorp Genetics (formerly Invitae), Labcorp
Classification: Pathogenic. Last evaluated: 2020-06-19. Review status: criteria provided, single submitter. Criteria: Invitae Variant Classification Sherloc (09022015). Collection method: clinical testing. Allele origin: germline.
Comment: This variant is not present in population databases (ExAC no frequency). This sequence change results in a premature translational stop signal in the ERCC6 gene (p.Gln1354*). While this is not anticipated to result in nonsense mediated decay, it is expected to disrupt the last 140 amino acids of the ERCC6 protein. For these reasons, this variant has been classified as Pathogenic. This variant disrupts the C-terminus of the ERCC6 protein. Other variant(s) that disrupt this region (p.Asp1355Metfs*4) have been determined to be pathogenic (PMID: 27004399). This suggests that variants that disrupt this region of the protein are likely to be causative of disease. This variant has not been reported in the literature in individuals with ERCC6-related conditions.

Literature cited by the submitters: PubMed 27004399.